The following is an entry in ClinVar:

ClinVar aggregate classification (germline): Likely pathogenic. Review status: criteria provided, multiple submitters, no conflicts (2 of 4 stars). 2 submissions from 2 submitters: Likely pathogenic (2). Last evaluated 2025-06-05.

Conditions:
CTSK-related disorder. Also called: CTSK-related condition.
Pyknodysostosis. Also called: Pycnodysostosis. Identifiers: Orphanet 763, MedGen C0238402, MONDO:0009940, OMIM 265800.

gnomAD v4.1: 2 of 1,607,440 alleles (0.00012%); highest among the groups gnomAD compares: South Asian, 0.0011%; no homozygotes.

Submissions (2):

Natera, Inc.
Classification: Likely pathogenic for Pyknodysostosis. Last evaluated: 2025-06-05. Review status: criteria provided, single submitter. Criteria: Natera Variant Classification Schema (03/2026). Collection method: clinical testing. Allele origin: germline.
Comment: The c.893G>A variant in CTSK is a nonsense variant predicted to introduce a stop codon at amino acid 298. This variant is expected to result in nonsense mediated decay, truncation, or a dysfunctional protein product. This variant is rare in the general population with a frequency below the threshold expected for the associated phenotype(s). Given the available evidence, this variant is classified as Likely Pathogenic.

Blueprint Genetics
Classification: Likely pathogenic for CTSK-related disorders. Last evaluated: 2022-12-05. Review status: criteria provided, single submitter. Criteria: ACMG Guidelines, 2015. Collection method: clinical testing. Allele origin: germline. Affected: yes. Observed: 2 variant alleles.

NM_000396.4(CTSK):c.893G>A (p.Trp298Ter)

Gene: CTSK (cathepsin K; minus strand). Cytogenetic location: 1q21.3.
Variant type: single nucleotide variant.
Coding change: c.893G>A on transcript NM_000396.4 (MANE Select); coding-DNA position 893, G replaced by A.
Protein change: p.Trp298Ter; replaces tryptophan 298 with a stop codon.
Molecular consequence: nonsense.
Genome position (GRCh38, 1-based): chr1:150,796,896, C>T on the plus strand (G>A on the coding strand, the complement: CTSK is on the minus strand). VCF-style: chr1-150796896-C-T. GRCh37 (hg19) VCF-style: chr1-150769372-C-T.
Other names: short protein forms W298*.
Identifiers: ClinVar variation 4818309 (VCV004818309.3).
Genomic context (GRCh38, chr1:150,796,896, plus strand): 5'-CAGGCGTTGTTCTTATTTCGAGCCATGAGGATATATCCTTTGTTTCCCCAGTTTTCTCCC[C>T]AGCTGTAAGACCAATCAAGAAAAATACTTAGTACTCTCAGTTTATTTATTCATTAAAATA-3'